The following is an entry in ClinVar:

ClinVar aggregate classification (germline): Pathogenic (1 of 4 stars; one submission).

Conditions:
Hereditary cancer-predisposing syndrome. Also called: Tumor predisposition; Hereditary neoplastic syndrome; Neoplastic Syndromes, Hereditary; Hereditary Cancer Syndrome. Identifiers: Orphanet 140162, MedGen C0027672, MeSH D009386, MONDO:0015356.

Submission:

Ambry Genetics
Classification: Pathogenic for Hereditary cancer-predisposing syndrome. Last evaluated: 2024-03-12. Review status: criteria provided, single submitter. Criteria: Ambry Variant Classification Scheme 2023. Collection method: clinical testing. Allele origin: germline.
Comment: The c.1371delG pathogenic mutation, located in coding exon 14 of the MUTYH gene, results from a deletion of one nucleotide at nucleotide position 1371, causing a translational frameshift with a predicted alternate stop codon (p.L458Wfs*9). This alteration is expected to result in loss of function by premature protein truncation or nonsense-mediated mRNA decay. As such, this alteration is interpreted as a disease-causing mutation.

NM_001048174.2(MUTYH):c.1287del (p.Leu430fs)

Gene: MUTYH (mutY DNA glycosylase; minus strand). Cytogenetic location: 1p34.1.
Variant type: Deletion.
Coding change: c.1287del on transcript NM_001048174.2 (MANE Select); coding-DNA position 1287, one base deleted (G; older notation c.1287delG).
Protein change: p.Leu430fs; shifts the reading frame from leucine 430.
Molecular consequence: frameshift variant. On other transcripts: non-coding transcript variant (2).
Genome position (GRCh38, 1-based): chr1:45,331,287, C deleted on the plus strand (G on the coding strand, the reverse complement: MUTYH is on the minus strand); the first of 3 consecutive C bases (chr1:45,331,287-45,331,289); deleting any one gives the same sequence. VCF-style (leftmost placement, unchanged base first): chr1-45331286-GC-G. GRCh37 (hg19) VCF-style: chr1-45796958-GC-G.
Other names: c.1287del, p.Leu430fs (NM_001048171.2, NM_001048173.2, NM_001293195.2); c.1290del, p.Leu431fs (NM_001048172.2); c.1371del, p.Leu458fs (NM_001128425.2); c.1332del, p.Leu445fs (NM_001293190.2); c.1320del, p.Leu441fs (NM_001293191.2); c.1011del, p.Leu338fs (NM_001293192.2, NM_001293196.2); c.942del, p.Leu315fs (NM_001350650.2, NM_001350651.2); c.1362del, p.Leu455fs (NM_012222.3); short protein forms L445fs, L338fs, L431fs, L430fs, L441fs, L315fs, L455fs, L458fs.
Identifiers: ClinVar variation 819034 (VCV000819034.4), dbSNP rs1570366181, ClinGen allele CA915941259.